The following is an entry in ClinVar:

NM_025114.4(CEP290):c.251-11del

Gene: CEP290 (centrosomal protein 290; minus strand). Cytogenetic location: 12q21.32.
Variant type: Deletion.
Coding change: c.251-11del on transcript NM_025114.4 (MANE Select); 11 bases into the intron before coding-DNA position 251, one base deleted (T; older notation c.251-11delT).
Molecular consequence: intron variant.
Genome position (GRCh38, 1-based): chr12:88,139,202, A deleted on the plus strand (T on the coding strand, the reverse complement: CEP290 is on the minus strand); the first of 9 consecutive A bases (chr12:88,139,202-88,139,210); deleting any one gives the same sequence. VCF-style (leftmost placement, unchanged base first): chr12-88139201-TA-T. GRCh37 (hg19) VCF-style: chr12-88532978-TA-T.
Other names: c.251-11delT (NM_025114.3).
Identifiers: ClinVar variation 1562226 (VCV001562226.11), dbSNP rs752284551, ClinGen allele CA6712861.

ClinVar aggregate classification (germline): Benign/Likely benign. Review status: criteria provided, multiple submitters, no conflicts (2 of 4 stars). 4 submissions from 4 submitters: Benign (1); Likely benign (3). Last evaluated 2026-01-22.

Conditions:
CEP290-related disorder. Also called: CEP290-related disorders; CEP290-related condition. Identifiers: MedGen CN239314.
Joubert syndrome. Also called: Familial aplasia of the vermis; JOUBERT-BOLTSHAUSER SYNDROME. Identifiers: Orphanet 475, MedGen C5979921, MONDO:0018772.
Meckel-Gruber syndrome. Also called: Dysencephalia splachnocystica; DYSENCEPHALIA SPLANCHNOCYSTICA; GRUBER SYNDROME. Identifiers: Orphanet 564, MedGen C0265215, MONDO:0018921.
Nephronophthisis. Also called: Juvenile Nephronophthisis. Identifiers: Orphanet 655, MedGen C0687120, MONDO:0019005, HP:0000090.
Joubert syndrome 5 (JBTS5). Identifiers: Orphanet 2318, MedGen C1857780, MONDO:0012432, OMIM 610188.
Senior-Loken syndrome 6 (SLSN6). Identifiers: Orphanet 3156, MedGen C1857779, MONDO:0012433, OMIM 610189.
Leber congenital amaurosis 10 (LCA10). Identifiers: Orphanet 65, MedGen C1857821, MONDO:0012723, OMIM 611755.
Meckel syndrome, type 4 (MKS4). Also called: MECKEL-GRUBER SYNDROME, TYPE 4. Identifiers: Orphanet 564, MedGen C1970161, MONDO:0012626, OMIM 611134.
Bardet-Biedl syndrome 14 (BBS14). Identifiers: Orphanet 110, MedGen C2673874, MONDO:0014442, OMIM 615991.

Submissions (4):

Labcorp Genetics (formerly Invitae), Labcorp
Classification: Benign for Joubert syndrome; Meckel-Gruber syndrome; Nephronophthisis. Last evaluated: 2026-01-22. Review status: criteria provided, single submitter. Criteria: Invitae Variant Classification Sherloc (09022015). Collection method: clinical testing. Allele origin: germline.

PreventionGenetics, part of Exact Sciences
Classification: Likely benign for CEP290-related condition. Last evaluated: 2025-12-23. Review status: criteria provided, single submitter. Criteria: ACMG Guidelines, 2015. Collection method: clinical testing. Allele origin: germline.
Comment: This variant is classified as likely benign based on ACMG/AMP sequence variant interpretation guidelines (Richards et al. 2015 PMID: 25741868, with internal and published modifications).

Blueprint Genetics
Classification: Likely benign. Last evaluated: 2022-06-07. Review status: criteria provided, single submitter. Criteria: ACMG Guidelines, 2015. Collection method: clinical testing. Allele origin: germline.

Fulgent Genetics
Classification: Likely benign for Joubert syndrome 5; Senior-Loken syndrome 6; Meckel syndrome, type 4; Leber congenital amaurosis 10; Bardet-Biedl syndrome 14. Last evaluated: 2021-12-15. Review status: criteria provided, single submitter. Criteria: ACMG Guidelines, 2015. Collection method: clinical testing. Allele origin: unknown.